The following is an entry in ClinVar:

ClinVar aggregate classification (germline): Uncertain significance (1 of 4 stars; one submission).

Submission:

GeneDx
Classification: Uncertain significance. Last evaluated: 2025-08-04. Review status: criteria provided, single submitter. Criteria: GeneDx Variant Classification Process June 2021. Collection method: clinical testing. Allele origin: germline. Affected: yes.
Comment: Not observed at significant frequency in large population cohorts (gnomAD); In silico analysis suggests that this missense variant does not alter protein structure/function; Has not been previously published as pathogenic or benign to our knowledge

NM_000540.3(RYR1):c.11003G>A (p.Ser3668Asn)

Gene: RYR1 (ryanodine receptor 1; plus strand). Cytogenetic location: 19q13.2.
Variant type: single nucleotide variant.
Coding change: c.11003G>A on transcript NM_000540.3 (MANE Select); coding-DNA position 11003, G replaced by A.
Protein change: p.Ser3668Asn; replaces serine 3668 with asparagine.
Molecular consequence: missense variant.
Genome position (GRCh38, 1-based): chr19:38,528,664, G>A. VCF-style: chr19-38528664-G-A. GRCh37 (hg19) VCF-style: chr19-39019304-G-A.
Other names: c.10988G>A, p.Ser3663Asn (NM_001042723.2); short protein forms S3663N, S3668N.
Identifiers: ClinVar variation 4755962 (VCV004755962.1).